The following is an entry in ClinVar:

ClinVar aggregate classification (germline): Uncertain significance. Review status: criteria provided, multiple submitters, no conflicts (2 of 4 stars). 2 submissions from 2 submitters: Uncertain significance (2). Last evaluated 2025-04-18.

Conditions:
Tietz syndrome (TADS). Also called: ALBINISM-DEAFNESS OF TIETZ; HYPOPIGMENTATION/DEAFNESS OF TIETZ; TIETZ ALBINISM-DEAFNESS SYNDROME. Identifiers: Orphanet 42665, MedGen C0391816, MONDO:0007077, OMIM 103500.
Melanoma, cutaneous malignant, susceptibility to, 8. Also called: MELANOMA AND RENAL CELL CARCINOMA, SUSCEPTIBILITY TO; Cutaneous malignant melanoma 8. Identifiers: Orphanet 293822, MedGen C3152204, MONDO:0013759, OMIM 614456.
Waardenburg syndrome type 2A (WS2A). Also called: WAARDENBURG SYNDROME WITHOUT DYSTOPIA CANTHORUM. Identifiers: Orphanet 3440, MedGen C1860339, MONDO:0008671, OMIM 193510.
Hereditary cancer-predisposing syndrome. Also called: Neoplastic Syndromes, Hereditary; Tumor predisposition; Hereditary neoplastic syndrome; Hereditary Cancer Syndrome. Identifiers: Orphanet 140162, MedGen C0027672, MeSH D009386, MONDO:0015356.

gnomAD v4.1: 1 of 1,614,030 alleles (0.000062%); highest among the groups gnomAD compares: African/African-American, 0.0013%; no homozygotes.

Submissions (2):

Ambry Genetics
Classification: Uncertain significance for Hereditary cancer-predisposing syndrome. Last evaluated: 2025-04-18. Review status: criteria provided, single submitter. Criteria: Ambry Variant Classification Scheme 2023. Collection method: clinical testing. Allele origin: germline.
Comment: The p.L329R variant (also known as c.986T>G), located in coding exon 9 of the MITF gene, results from a T to G substitution at nucleotide position 986. The leucine at codon 329 is replaced by arginine, an amino acid with dissimilar properties. This amino acid position is conserved. In addition, this alteration is predicted to be tolerated by in silico analysis. Based on the available evidence, the clinical significance of this variant remains unclear.

Labcorp Genetics (formerly Invitae), Labcorp
Classification: Uncertain significance for Melanoma, cutaneous malignant, susceptibility to, 8; Waardenburg syndrome type 2A; Tietz syndrome. Last evaluated: 2025-03-26. Review status: criteria provided, single submitter. Criteria: Invitae Variant Classification Sherloc (09022015). Collection method: clinical testing. Allele origin: germline.
Comment: This sequence change replaces leucine, which is neutral and non-polar, with arginine, which is basic and polar, at codon 329 of the MITF protein (p.Leu329Arg). This variant is not present in population databases (gnomAD no frequency). This variant has not been reported in the literature in individuals affected with MITF-related conditions. Invitae Evidence Modeling of protein sequence and biophysical properties (such as structural, functional, and spatial information, amino acid conservation, physicochemical variation, residue mobility, and thermodynamic stability) indicates that this missense variant is not expected to disrupt MITF protein function with a negative predictive value of 80%. In summary, the available evidence is currently insufficient to determine the role of this variant in disease. Therefore, it has been classified as a Variant of Uncertain Significance.

NM_001354604.2(MITF):c.1307T>G (p.Leu436Arg)

Gene: MITF (melanocyte inducing transcription factor; plus strand). Cytogenetic location: 3p13.
Variant type: single nucleotide variant.
Coding change: c.1307T>G on transcript NM_001354604.2 (MANE Select); coding-DNA position 1307, T replaced by G.
Protein change: p.Leu436Arg; replaces leucine 436 with arginine.
Molecular consequence: missense variant.
Genome position (GRCh38, 1-based): chr3:69,964,974, T>G. VCF-style: chr3-69964974-T-G. GRCh37 (hg19) VCF-style: chr3-70014125-T-G.
Other names: c.986T>G, p.Leu329Arg (NM_000248.4); c.1133T>G, p.Leu378Arg (NM_001184967.2, NM_001354608.2); c.1304T>G, p.Leu435Arg (NM_001354605.2); c.1286T>G, p.Leu429Arg (NM_001354606.2, NM_006722.3); c.1238T>G, p.Leu413Arg (NM_001354607.2); c.968T>G, p.Leu323Arg (NM_198158.3); c.1289T>G, p.Leu430Arg (NM_198159.3); c.1241T>G, p.Leu414Arg (NM_198177.3); and 1 more; short protein forms L267R, L378R, L413R, L429R, L430R, L435R, L323R, L414R.
Identifiers: ClinVar variation 4055191 (VCV004055191.2).